The following is an entry in ClinVar:

ClinVar aggregate classification (germline): Uncertain significance. Review status: criteria provided, multiple submitters, no conflicts (2 of 4 stars). 2 submissions from 2 submitters: Uncertain significance (2). Last evaluated 2024-01-09.

Conditions:
Familial cancer of breast. Also called: BREAST CANCER, FAMILIAL; Hereditary breast cancer; hereditary breast carcinoma. Identifiers: Orphanet 227535, MedGen C0346153, MONDO:0016419, OMIM 114480. Disease mechanism: loss of function.
Linear nevus sebaceous syndrome. Also called: JADASSOHN NEVUS PHAKOMATOSIS; NEVUS SEBACEUS OF JADASSOHN; ORGANOID NEVUS PHAKOMATOSIS; SFM SYNDROME; Nevus, Sebaceous of Jadassohn; Linear sebaceous nevus sequence. Identifiers: Orphanet 2612, MedGen C4552097, MONDO:0008097, OMIM 163200, HP:0010817.
Toriello-Lacassie-Droste syndrome. Identifiers: Orphanet 3339, MedGen C1838329, MONDO:0010854, OMIM 600268.
Cerebral arteriovenous malformation (BAVM). Also called: Arteriovenous malformations of the brain; CEREBRAL ARTERIOVENOUS MALFORMATIONS. Identifiers: Orphanet 46724, MedGen C0917804, MONDO:0007154, OMIM 108010, HP:0002408.
Malignant tumor of urinary bladder. Also called: Bladder cancer; Urinary bladder cancer; Urinary Bladder Neoplasms. Identifiers: MedGen C0005684, MONDO:0001187, OMIM 109800.
Lung cancer. Also called: Malignant tumor of lung; Lung cancer, somatic. Identifiers: MedGen C0242379, MONDO:0008903, OMIM 211980.
Cardiofaciocutaneous syndrome 2 (CFC2). Also called: KRAS-Related Cardiofaciocutaneous Syndrome. Identifiers: Orphanet 1340, MedGen C3809005, MONDO:0014112, OMIM 615278.
Familial pancreatic carcinoma. Identifiers: Orphanet 1333, MedGen C2931038, MONDO:0015278, OMIM 260350.
Gastric cancer. Also called: Malignant tumor of stomach; Stomach cancer. Identifiers: MedGen C0024623, MeSH D013274, MONDO:0001056, OMIM 613659, HP:0012126.
Noonan syndrome 3 (NS3). Also called: KRAS-Related Noonan Syndrome. Identifiers: Orphanet 648, MedGen C1860991, MONDO:0012371, OMIM 609942.
Acute myeloid leukemia (AML). Also called: Acute myeloid leukemia, adult; AML adult; Acute non-lymphocytic leukemia; Acute granulocytic leukemia; Leukemia, acute myeloid, somatic; Leukemia, acute myelogenous, somatic. Identifiers: Orphanet 519, MedGen C0023467, MeSH D015470, MONDO:0018874, OMIM 601626, HP:0004808. Disease mechanism: Constitutively activated FLT3.
Autoimmune lymphoproliferative syndrome type 4. Also called: AUTOIMMUNE LYMPHOPROLIFERATIVE SYNDROME, TYPE IV; RAS-associated autoimmune leukoproliferative disorder. Identifiers: Orphanet 268114, MedGen C2674723, MONDO:0013767, OMIM 614470.
RASopathy. Also called: rasopathies; Noonan spectrum disorder. Identifiers: Orphanet 536391, MedGen C5555857, MONDO:0021060.

Allele frequency attached by ClinVar (database versions not stated): gnomAD exomes below 0.00001.
gnomAD v4.1: 2 of 1,612,416 alleles (0.00012%); highest among the groups gnomAD compares: Non-Finnish European, 0.00017%; no homozygotes.

Submissions (2):

Fulgent Genetics
Classification: Uncertain significance for Cerebral arteriovenous malformation; Malignant tumor of urinary bladder; Familial cancer of breast; Linear nevus sebaceous syndrome; Lung cancer; Familial pancreatic carcinoma; Toriello-Lacassie-Droste syndrome; Acute myeloid leukemia; Noonan syndrome 3; Gastric cancer; Autoimmune lymphoproliferative syndrome type 4; Cardiofaciocutaneous syndrome 2. Last evaluated: 2024-01-09. Review status: criteria provided, single submitter. Criteria: ACMG Guidelines, 2015. Collection method: clinical testing. Allele origin: germline.

Labcorp Genetics (formerly Invitae), Labcorp
Classification: Uncertain significance for RASopathy. Last evaluated: 2022-10-23. Review status: criteria provided, single submitter. Criteria: Invitae Variant Classification Sherloc (09022015). Collection method: clinical testing. Allele origin: germline.
Comment: This variant has not been reported in the literature in individuals affected with KRAS-related conditions. In summary, the available evidence is currently insufficient to determine the role of this variant in disease. Therefore, it has been classified as a Variant of Uncertain Significance. Variants that disrupt the consensus splice site are a relatively common cause of aberrant splicing (PMID: 17576681, 9536098). Algorithms developed to predict the effect of sequence changes on RNA splicing suggest that this variant is not likely to affect RNA splicing. This variant is not present in population databases (gnomAD no frequency). This sequence change falls in intron 4 of the KRAS gene. It does not directly change the encoded amino acid sequence of the KRAS protein. It affects a nucleotide within the consensus splice site.

Literature cited by the submitters: PubMed 17576681 (cited by Labcorp Genetics (formerly Invitae), Labcorp); PubMed 9536098 (cited by Labcorp Genetics (formerly Invitae), Labcorp).

NM_004985.5(KRAS):c.450+5G>A

Gene: KRAS (KRas proto-oncogene, GTPase; minus strand). Cytogenetic location: 12p12.1.
Variant type: single nucleotide variant.
Coding change: c.450+5G>A on transcript NM_004985.5 (MANE Select); 5 bases into the intron after coding-DNA position 450, G replaced by A.
Molecular consequence: intron variant.
Genome position (GRCh38, 1-based): chr12:25,225,609, C>T on the plus strand (G>A on the coding strand, the complement: KRAS is on the minus strand). VCF-style: chr12-25225609-C-T. GRCh37 (hg19) VCF-style: chr12-25378543-C-T.
Other names: c.450+5G>A (NM_001369787.1, NM_001369786.1, NM_033360.4).
Identifiers: ClinVar variation 1915455 (VCV001915455.6), dbSNP rs2548918908, ClinGen allele CA2575103849.